The following is an entry in ClinVar:

NM_144670.6(A2ML1):c.815G>A (p.Arg272Gln)

Gene: A2ML1 (alpha-2-macroglobulin like 1; plus strand). Cytogenetic location: 12p13.31.
Variant type: single nucleotide variant.
Coding change: c.815G>A on transcript NM_144670.6 (MANE Select); coding-DNA position 815, G replaced by A.
Protein change: p.Arg272Gln; replaces arginine 272 with glutamine.
Molecular consequence: missense variant.
Genome position (GRCh38, 1-based): chr12:8,837,526, G>A. VCF-style: chr12-8837526-G-A. GRCh37 (hg19) VCF-style: chr12-8990122-G-A.
Other names: c.815G>A (NM_144670.3); short protein forms R272Q.
Identifiers: ClinVar variation 1495886 (VCV001495886.10), dbSNP rs372782124, ClinGen allele CA6435437.

ClinVar aggregate classification (germline): Uncertain significance. Review status: criteria provided, multiple submitters, no conflicts (2 of 4 stars). 2 submissions from 2 submitters: Uncertain significance (2). Last evaluated 2023-10-28.

Allele frequency attached by ClinVar (database versions not stated): gnomAD 0.00001; gnomAD exomes 0.00004; ExAC 0.00005; ESP Exome Variant Server 0.00008.
gnomAD v4.1: 22 of 1,613,778 alleles (0.0014%); highest among the groups gnomAD compares: South Asian, 0.018%; no homozygotes.

Submissions (2):

Labcorp Genetics (formerly Invitae), Labcorp
Classification: Uncertain significance. Last evaluated: 2023-10-28. Review status: criteria provided, single submitter. Criteria: Invitae Variant Classification Sherloc (09022015). Collection method: clinical testing. Allele origin: germline.
Comment: This sequence change replaces arginine, which is basic and polar, with glutamine, which is neutral and polar, at codon 272 of the A2ML1 protein (p.Arg272Gln). This variant is present in population databases (rs372782124, gnomAD 0.02%). This variant has not been reported in the literature in individuals affected with A2ML1-related conditions. ClinVar contains an entry for this variant (Variation ID: 1495886). Algorithms developed to predict the effect of missense changes on protein structure and function output the following: SIFT: "Not Available"; PolyPhen-2: "Benign"; Align-GVGD: "Not Available". The glutamine amino acid residue is found in multiple mammalian species, which suggests that this missense change does not adversely affect protein function. In summary, the available evidence is currently insufficient to determine the role of this variant in disease. Therefore, it has been classified as a Variant of Uncertain Significance.

Ambry Genetics
Classification: Uncertain significance. Last evaluated: 2023-05-17. Review status: criteria provided, single submitter. Criteria: Ambry Variant Classification Scheme 2023. Collection method: clinical testing. Allele origin: germline.